The following is an entry in ClinVar:

NM_004260.4(RECQL4):c.3237-1G>A

Gene: RECQL4 (RecQ like helicase 4; minus strand). Cytogenetic location: 8q24.3.
Variant type: single nucleotide variant.
Coding change: c.3237-1G>A on transcript NM_004260.4 (MANE Select); the canonical splice acceptor site of the intron before coding-DNA position 3237, G replaced by A.
Molecular consequence: splice acceptor variant.
Genome position (GRCh38, 1-based): chr8:144,512,068, C>T on the plus strand (G>A on the coding strand, the complement: RECQL4 is on the minus strand). VCF-style: chr8-144512068-C-T. GRCh37 (hg19) VCF-style: chr8-145737451-C-T.
Other names: c.3108-1G>A (NM_001413025.1); c.2886-1G>A (NM_001413029.1); c.2100-1G>A (NM_001413032.1, NM_001413027.1, NM_001413030.1); c.2166-1G>A (NM_001413035.1, NM_001413040.1, NM_001413021.1 and 4 more transcripts); c.2943-1G>A (NM_001413017.1); c.3141-1G>A (NM_001413020.1); c.3207-1G>A (NM_001413039.1); c.3105-1G>A (NM_001413033.1); and 9 more.
Identifiers: ClinVar variation 639817 (VCV000639817.6), dbSNP rs1586791945, ClinGen allele CA372669462.

ClinVar aggregate classification (germline): Likely pathogenic (1 of 4 stars; one submission).

Conditions:
Baller-Gerold syndrome (BGS). Also called: CRANIOSYNOSTOSIS WITH RADIAL DEFECTS. Identifiers: Orphanet 1225, MedGen C0265308, MONDO:0009039, OMIM 218600.

Submission:

Labcorp Genetics (formerly Invitae), Labcorp
Classification: Likely pathogenic for Baller-Gerold syndrome. Last evaluated: 2022-02-10. Review status: criteria provided, single submitter. Criteria: Invitae Variant Classification Sherloc (09022015). Collection method: clinical testing. Allele origin: germline.
Comment: This sequence change affects an acceptor splice site in intron 18 of the RECQL4 gene. It is expected to disrupt RNA splicing. Variants that disrupt the donor or acceptor splice site typically lead to a loss of protein function (PMID: 16199547), and loss-of-function variants in RECQL4 are known to be pathogenic (PMID: 12734318, 12952869). This variant is not present in population databases (gnomAD no frequency). This variant has not been reported in the literature in individuals affected with RECQL4-related conditions. ClinVar contains an entry for this variant (Variation ID: 639817). Algorithms developed to predict the effect of sequence changes on RNA splicing suggest that this variant may disrupt the consensus splice site. In summary, the currently available evidence indicates that the variant is pathogenic, but additional data are needed to prove that conclusively. Therefore, this variant has been classified as Likely Pathogenic.

Literature cited by the submitters: PubMed 16199547; PubMed 12734318; PubMed 12952869.